The following is an entry in ClinVar:

ClinVar aggregate classification (germline): Uncertain significance (1 of 4 stars; one submission).

Conditions:
Hereditary sensory and autonomic neuropathy type 7. Also called: Neuropathy, hereditary sensory and autonomic, type VII; HSAN VII. Identifiers: Orphanet 391397, MedGen C3809882, MONDO:0014244, OMIM 615548.
Familial episodic pain syndrome with predominantly lower limb involvement. Also called: Episodic pain syndrome, familial, 3. Identifiers: Orphanet 391384, Orphanet 391392, MedGen C3809899, MONDO:0014247, OMIM 615552.

Submission:

Labcorp Genetics (formerly Invitae), Labcorp
Classification: Uncertain significance for Familial episodic pain syndrome with predominantly lower limb involvement; Hereditary sensory and autonomic neuropathy type 7. Last evaluated: 2020-03-23. Review status: criteria provided, single submitter. Criteria: Invitae Variant Classification Sherloc (09022015). Collection method: clinical testing. Allele origin: germline.
Comment: Algorithms developed to predict the effect of missense changes on protein structure and function output the following: SIFT: "Tolerated"; PolyPhen-2: "Benign"; Align-GVGD: "Class C0". The asparagine amino acid residue is found in multiple mammalian species, suggesting that this missense change does not adversely affect protein function. These predictions have not been confirmed by published functional studies and their clinical significance is uncertain. This sequence change replaces aspartic acid with asparagine at codon 287 of the SCN11A protein (p.Asp287Asn). The aspartic acid residue is weakly conserved and there is a small physicochemical difference between aspartic acid and asparagine. This variant is not present in population databases (ExAC no frequency). This variant has not been reported in the literature in individuals with SCN11A-related conditions. In summary, the available evidence is currently insufficient to determine the role of this variant in disease. Therefore, it has been classified as a Variant of Uncertain Significance.

NM_001349253.2(SCN11A):c.859G>A (p.Asp287Asn)

Gene: SCN11A (sodium voltage-gated channel alpha subunit 11; minus strand). Cytogenetic location: 3p22.2.
Variant type: single nucleotide variant.
Coding change: c.859G>A on transcript NM_001349253.2 (MANE Select); coding-DNA position 859, G replaced by A.
Protein change: p.Asp287Asn; replaces aspartic acid 287 with asparagine.
Molecular consequence: missense variant.
Genome position (GRCh38, 1-based): chr3:38,921,109, C>T on the plus strand (G>A on the coding strand, the complement: SCN11A is on the minus strand). VCF-style: chr3-38921109-C-T. GRCh37 (hg19) VCF-style: chr3-38962600-C-T.
Other names: c.859G>A, p.Asp287Asn (NM_014139.3); short protein forms D287N.
Identifiers: ClinVar variation 1063325 (VCV001063325.5), dbSNP rs867183741, ClinGen allele CA72970752.